The following is an entry in ClinVar:

NM_001375524.1(TRRAP):c.10966C>T (p.Gln3656Ter)

Gene: TRRAP (transformation/transcription domain associated protein; plus strand). Cytogenetic location: 7q22.1.
Variant type: single nucleotide variant.
Coding change: c.10966C>T on transcript NM_001375524.1 (MANE Select); coding-DNA position 10966, C replaced by T.
Protein change: p.Gln3656Ter; replaces glutamine 3656 with a stop codon.
Molecular consequence: nonsense.
Genome position (GRCh38, 1-based): chr7:99,011,079, C>T. VCF-style: chr7-99011079-C-T. GRCh37 (hg19) VCF-style: chr7-98608702-C-T.
Other names: c.10924C>T, p.Gln3642Ter (NM_001244580.2); c.10837C>T, p.Gln3613Ter (NM_003496.4); short protein forms Q3613*, Q3642*, Q3656*.
Identifiers: ClinVar variation 3767670 (VCV003767670.1).
Genomic context (GRCh38, chr7:99,011,079, plus strand): 5'-GAGATGGGAGTGTCACGGAGCGCTGTGTTTCAGGTCCTCCGCGACATCCTCAAGGAGGTT[C>T]AGAGTAACATGGTGCCGCGCAGCATGCTCAAGGAGTGGGCGCTGCACACCTTCCCCAATG-3'

ClinVar aggregate classification (germline): Uncertain significance (1 of 4 stars; one submission).

Submission:

GeneDx
Classification: Uncertain significance. Last evaluated: 2024-09-05. Review status: criteria provided, single submitter. Criteria: GeneDx Variant Classification Process June 2021. Collection method: clinical testing. Allele origin: germline. Affected: yes.
Comment: Not observed at significant frequency in large population cohorts (gnomAD); Nonsense variant predicted to result in protein truncation or nonsense mediated decay in a gene or region of a gene for which loss of function is not a well-established mechanism of disease; Has not been previously published as pathogenic or benign to our knowledge